The following is an entry in ClinVar:

ClinVar aggregate classification (germline): Uncertain significance (1 of 4 stars; one submission).

Conditions:
Evans syndrome, immunodeficiency, and premature immunosenescence associated with tripeptidyl-peptidase II deficiency. Identifiers: MedGen CN231723. Disease mechanism: loss of function.

Submission:

Labcorp Genetics (formerly Invitae), Labcorp
Classification: Uncertain significance for Evans syndrome, immunodeficiency, and premature immunosenescence associated with tripeptidyl-peptidase II deficiency. Last evaluated: 2022-12-04. Review status: criteria provided, single submitter. Criteria: Invitae Variant Classification Sherloc (09022015). Collection method: clinical testing. Allele origin: germline.
Comment: This sequence change replaces alanine, which is neutral and non-polar, with proline, which is neutral and non-polar, at codon 1189 of the TPP2 protein (p.Ala1189Pro). This variant is not present in population databases (gnomAD no frequency). This variant has not been reported in the literature in individuals affected with TPP2-related conditions. In summary, the available evidence is currently insufficient to determine the role of this variant in disease. Therefore, it has been classified as a Variant of Uncertain Significance. Algorithms developed to predict the effect of missense changes on protein structure and function are either unavailable or do not agree on the potential impact of this missense change (SIFT: "Deleterious"; PolyPhen-2: "Probably Damaging"; Align-GVGD: "Class C0").

NM_001330588.2(TPP2):c.3604G>C (p.Ala1202Pro)

Gene: TPP2 (tripeptidyl peptidase 2; plus strand). Cytogenetic location: 13q33.1.
Variant type: single nucleotide variant.
Coding change: c.3604G>C on transcript NM_001330588.2 (MANE Select); coding-DNA position 3604, G replaced by C.
Protein change: p.Ala1202Pro; replaces alanine 1202 with proline.
Molecular consequence: missense variant. On other transcripts: non-coding transcript variant (1).
Genome position (GRCh38, 1-based): chr13:102,676,320, G>C. VCF-style: chr13-102676320-G-C. GRCh37 (hg19) VCF-style: chr13-103328670-G-C.
Other names: c.3691G>C, p.Ala1231Pro (NM_001367947.1); c.3565G>C, p.Ala1189Pro (NM_003291.4); short protein forms A1202P, A1231P, A1189P.
Identifiers: ClinVar variation 2818538 (VCV002818538.3), dbSNP rs2504144276, ClinGen allele CA388471618.